The following is an entry in ClinVar:

NM_000373.4(UMPS):c.340A>C (p.Asn114His)

Gene: UMPS (uridine monophosphate synthetase; plus strand). Cytogenetic location: 3q21.2.
Variant type: single nucleotide variant.
Coding change: c.340A>C on transcript NM_000373.4 (MANE Select); coding-DNA position 340, A replaced by C.
Protein change: p.Asn114His; replaces asparagine 114 with histidine.
Molecular consequence: missense variant. On other transcripts: non-coding transcript variant (2).
Genome position (GRCh38, 1-based): chr3:124,737,597, A>C. VCF-style: chr3-124737597-A-C. GRCh37 (hg19) VCF-style: chr3-124456444-A-C.
Other names: short protein forms N114H.
Identifiers: ClinVar variation 4745245 (VCV004745245.1).

ClinVar aggregate classification (germline): Uncertain significance (1 of 4 stars; one submission).

Conditions:
Hereditary orotic aciduria, type 1. Also called: Orotic aciduria type 1; Oroticaciduria 1. Identifiers: MedGen C0268130.

gnomAD v4.1: 3 of 1,614,218 alleles (0.00019%); highest among the groups gnomAD compares: Non-Finnish European, 0.000085%; no homozygotes.

Submission:

Labcorp Genetics (formerly Invitae), Labcorp
Classification: Uncertain significance for Hereditary orotic aciduria, type 1. Last evaluated: 2025-08-11. Review status: criteria provided, single submitter. Criteria: Invitae Variant Classification Sherloc (09022015). Collection method: clinical testing. Allele origin: germline.
Comment: This sequence change replaces asparagine, which is neutral and polar, with histidine, which is basic and polar, at codon 114 of the UMPS protein (p.Asn114His). This variant is not present in population databases (gnomAD no frequency). This variant has not been reported in the literature in individuals affected with UMPS-related conditions. Invitae Evidence Modeling of protein sequence and biophysical properties (such as structural, functional, and spatial information, amino acid conservation, physicochemical variation, residue mobility, and thermodynamic stability) indicates that this missense variant is not expected to disrupt UMPS protein function with a negative predictive value of 80%. In summary, the available evidence is currently insufficient to determine the role of this variant in disease. Therefore, it has been classified as a Variant of Uncertain Significance.